The following continues an entry in ClinVar:

NM_001258392.3(CLPB):c.1792C>T (p.Arg598Cys)

Gene: CLPB. ClinVar aggregate classification (germline): Conflicting classifications of pathogenicity. Likely pathogenic (2); Uncertain significance (14).

Submissions 11 to 18 of 18:

Broad Center for Mendelian Genomics, Broad Institute of MIT and Harvard
Classification: Uncertain significance for 3-methylglutaconic aciduria, type VIIB. Last evaluated: 2022-05-04. Review status: criteria provided, single submitter. Criteria: ACMG Guidelines, 2015. Collection method: curation. Allele origin: germline. Inheritance: Autosomal recessive inheritance.
Comment: This variant has also been reported in ClinVar (Variation ID: 279610) as pathogenic by GeneReviews, and as having uncertain significance by Invitae, EGL Genetic Diagnostics, Eurofins Clinical Diagnostics, and Laboratory of Molecular Genetics (Pr. Bezieau's lab), CHU de Nantes. In vitro functional studies provide some evidence that the p.Arg628Cys variant may impact protein function (PMID: 25595726). However, these types of assays may not accurately represent biological function. Computational prediction tools and conservation analyses suggest that this variant may impact the protein, though this information is not predictive enough to determine pathogenicity. The presence of this variant in combination with reported variants of uncertain significance, and in 2 individuals with 3-methylglutaconic aciduria, type VII, with cataracts, neurologic involvement and neutropenia increases the likelihood that the p.Arg628Cys variant is pathogenic (VariationID: 279611; PMID: 25595726). In summary, while there is some suspicion for a pathogenic role, the clinical significance of this variant is uncertain. ACMG/AMP Criteria applied: PS3_moderate, PP3, PM3_supporting, BS1 (Richards 2015).

Equipe Genetique des Anomalies du Developpement, Université de Bourgogne
Classification: Uncertain significance for 3-methylglutaconic aciduria, type VIIB. Last evaluated: 2021-07-15. Review status: criteria provided, single submitter. Criteria: ACMG Guidelines, 2015. Collection method: clinical testing. Allele origin: maternal. Observed: 1 variant allele, 1 compound heterozygote.

Molecular Diagnostics Laboratory, M Health Fairview: University of Minnesota
Classification: Likely pathogenic for 3-methylglutaconic aciduria, type VIIB. Last evaluated: 2021-06-01. Review status: criteria provided, single submitter. Criteria: ACMG Guidelines, 2015. Collection method: clinical testing. Allele origin: germline. Affected: yes.
Comment: This variant is predicted to impact a critical residue for salt bridge formation (PMID:25595726), and in silico models predict a pathogenic effect. Given the population frequency (present in 3293 alleles including 4 homozygotes in gnomad v4.0.0), it may be possible that this variant is hypomorphic, and may only be clinically significant when present in the trans configuration with a null variant.

Baylor Genetics
Classification: Uncertain significance for 3-methylglutaconic aciduria, type VIIB. Last evaluated: 2019-04-10. Review status: criteria provided, single submitter. Criteria: ACMG Guidelines, 2015. Collection method: clinical testing. Allele origin: paternal. Affected: yes.
Comment: This variant was determined to be of uncertain significance according to ACMG Guidelines, 2015 [PMID:25741868].

Laboratory of Molecular Genetics (Pr. Bezieau's lab), CHU de Nantes
Classification: Uncertain significance. Last evaluated: 2018-09-25. Review status: criteria provided, single submitter. Criteria: ACMG Guidelines, 2015. Collection method: clinical testing. Allele origin: germline. Affected: yes.

Eurofins Ntd Llc (ga)
Classification: Uncertain significance. Last evaluated: 2016-08-16. Review status: criteria provided, single submitter. Criteria: EGL Classification Definitions 2015. Collection method: clinical testing. Allele origin: germline. Observed: 2 variant alleles, 2 heterozygotes.

OMIM
Classification: Pathogenic for 3-METHYLGLUTACONIC ACIDURIA, TYPE VIIB. Last evaluated: 2022-08-11. Review status: no assertion criteria provided. Collection method: literature only. Allele origin: germline. Not counted in ClinVar's aggregate classification.

GeneReviews
No classification provided. Condition: 3-methylglutaconic aciduria, type VIIB. Review status: no classification provided. Collection method: literature only. Allele origin: germline. Affected: yes. Not counted in ClinVar's aggregate classification.

Literature cited by the submitters: PubMed 34782754 (cited by 4 submitters); PubMed 25595726 (cited by 7 submitters); PubMed 35616898 (cited by 5 submitters); PubMed 34115842 (cited by 3 submitters); PubMed 36074910 (cited by Dasa); PubMed 36745679 (cited by Dasa); NCBI Bookshelf NBK396257 (cited by GeneReviews).